The following is an entry in ClinVar:

NM_153816.6(SNX14):c.1239C>T (p.Pro413=)

Gene: SNX14 (sorting nexin 14; minus strand). Cytogenetic location: 6q14.3.
Variant type: single nucleotide variant.
Coding change: c.1239C>T on transcript NM_153816.6 (MANE Select); coding-DNA position 1239, C replaced by T.
Protein change: p.Pro413=; no amino-acid change (proline 413 retained).
Molecular consequence: synonymous variant. On other transcripts: non-coding transcript variant (6).
Genome position (GRCh38, 1-based): chr6:85,543,630, G>A on the plus strand (C>T on the coding strand, the complement: SNX14 is on the minus strand). VCF-style: chr6-85543630-G-A. GRCh37 (hg19) VCF-style: chr6-86253348-G-A.
Other names: p.Pro413=; c.84C>T, p.Pro28= (NM_001350552.2, NM_001350553.2, NM_001350548.2 and 3 more transcripts); c.1107C>T, p.Pro369= (NM_020468.6, NM_001350536.2); c.1239C>T, p.Pro413= (NM_001297614.3, NM_001350540.2, NM_001350541.2); c.1083C>T, p.Pro361= (NM_001304479.2); c.1302C>T, p.Pro434= (NM_001350532.2); c.1236C>T, p.Pro412= (NM_001350533.2, NM_001350534.2, NM_001350535.2); c.1104C>T, p.Pro368= (NM_001350537.2); and 7 more.
Identifiers: ClinVar variation 787699 (VCV000787699.47), dbSNP rs12720480, ClinGen allele CA3912182.

ClinVar aggregate classification (germline): Benign/Likely benign. Review status: criteria provided, multiple submitters, no conflicts (2 of 4 stars). 7 submissions from 7 submitters: Benign (2); Likely benign (4). 1 of the submissions does not count toward it. Last evaluated 2026-07-01.

Conditions:
SNX14-related disorder. Also called: SNX14-related condition.

Allele frequency attached by ClinVar (database versions not stated): 1000 Genomes Project 0.00200; 1000 Genomes Project 30x 0.00234; gnomAD exomes 0.00290 and 0.00416; ESP Exome Variant Server 0.00316; gnomAD 0.00329 and 0.00342; ExAC 0.00374; TOPMed 0.00384.
gnomAD v4.1: 6,486 of 1,584,536 alleles (0.41%); highest among the groups gnomAD compares: Middle Eastern, 0.7%; 23 homozygotes.

Submissions (7):

CeGaT Center for Human Genetics Tuebingen
Classification: Likely benign. Last evaluated: 2026-07-01. Review status: criteria provided, single submitter. Criteria: CeGaT Center For Human Genetics Tuebingen Variant Classification Criteria Version 2. Collection method: clinical testing. Allele origin: germline. Affected: yes. Observed: 21 variant alleles.
Comment: SNX14: BP4, BP7, BS2

Labcorp Genetics (formerly Invitae), Labcorp
Classification: Benign. Last evaluated: 2026-01-15. Review status: criteria provided, single submitter. Criteria: Invitae Variant Classification Sherloc (09022015). Collection method: clinical testing. Allele origin: germline.

Mayo Clinic Laboratories, Mayo Clinic
Classification: Benign. Last evaluated: 2025-10-21. Review status: criteria provided, single submitter. Criteria: ACMG Guidelines, 2015. Collection method: clinical testing. Allele origin: germline. Observed: 7 variant alleles.
Comment: BS1, BS2, BP4, BP7

Blueprint Genetics
Classification: Likely benign. Last evaluated: 2024-11-26. Review status: criteria provided, single submitter. Criteria: ACMG Guidelines, 2015. Collection method: clinical testing. Allele origin: germline.

GeneDx
Classification: Likely benign. Last evaluated: 2021-04-23. Review status: criteria provided, single submitter. Criteria: GeneDx Variant Classification Process June 2021. Collection method: clinical testing. Allele origin: germline. Affected: yes.

Breakthrough Genomics
Classification: Likely benign. Review status: criteria provided, single submitter. Criteria: ACMG Guidelines, 2015. Collection method: not provided. Allele origin: germline. Inheritance: Autosomal recessive inheritance. Affected: yes.

PreventionGenetics, part of Exact Sciences
Classification: Likely benign for SNX14-related condition. Last evaluated: 2019-05-17. Review status: no assertion criteria provided. Collection method: clinical testing. Allele origin: germline. Not counted in ClinVar's aggregate classification.
Comment: This variant is classified as likely benign based on ACMG/AMP sequence variant interpretation guidelines (Richards et al. 2015 PMID: 25741868, with internal and published modifications).